The following is an entry in ClinVar:

NM_000388.4(CASR):c.1487T>C (p.Leu496Pro)

Gene: CASR (calcium sensing receptor; plus strand). Cytogenetic location: 3q21.1.
Variant type: single nucleotide variant.
Coding change: c.1487T>C on transcript NM_000388.4 (MANE Select); coding-DNA position 1487, T replaced by C.
Protein change: p.Leu496Pro; replaces leucine 496 with proline.
Molecular consequence: missense variant.
Genome position (GRCh38, 1-based): chr3:122,275,921, T>C. VCF-style: chr3-122275921-T-C. GRCh37 (hg19) VCF-style: chr3-121994768-T-C.
Other names: c.1487T>C, p.Leu496Pro (NM_001178065.2); short protein forms L496P.
Identifiers: ClinVar variation 1058630 (VCV001058630.9), dbSNP rs2107643566, ClinGen allele CA354155205.

ClinVar aggregate classification (germline): Uncertain significance (1 of 4 stars; one submission).

Conditions:
Autosomal dominant hypocalcemia 1 (HYPOC1). Also called: HYPOCALCEMIA, FAMILIAL. Identifiers: MedGen C3715128, MONDO:0011013, OMIM 601198.
Familial hypocalciuric hypercalcemia (FHH). Also called: Familial benign hypercalcemia. Identifiers: Orphanet 405, MedGen C1809471, MONDO:0018458.

Submission:

Labcorp Genetics (formerly Invitae), Labcorp
Classification: Uncertain significance for Familial hypocalciuric hypercalcemia; Autosomal dominant hypocalcemia 1. Last evaluated: 2022-03-05. Review status: criteria provided, single submitter. Criteria: Invitae Variant Classification Sherloc (09022015). Collection method: clinical testing. Allele origin: germline.
Comment: This variant is not present in population databases (gnomAD no frequency). In summary, the available evidence is currently insufficient to determine the role of this variant in disease. Therefore, it has been classified as a Variant of Uncertain Significance. Algorithms developed to predict the effect of missense changes on protein structure and function are either unavailable or do not agree on the potential impact of this missense change (SIFT: "Deleterious"; PolyPhen-2: "Possibly Damaging"; Align-GVGD: "Class C15"). ClinVar contains an entry for this variant (Variation ID: 1058630). This variant has not been reported in the literature in individuals affected with CASR-related conditions. This sequence change replaces leucine, which is neutral and non-polar, with proline, which is neutral and non-polar, at codon 496 of the CASR protein (p.Leu496Pro).